The following is an entry in ClinVar:

ClinVar aggregate classification (germline): Uncertain significance (1 of 4 stars; one submission).

Submission:

Laboratory for Molecular Medicine, Mass General Brigham Personalized Medicine
Classification: Uncertain significance. Last evaluated: 2014-01-27. Review status: criteria provided, single submitter. Criteria: LMM Criteria. Collection method: clinical testing. Allele origin: germline. Observed: 1 variant allele.
Comment: The Arg1267del variant in MYBPC3 has not been previously reported in individuals with cardiomyopathy. This variant causes an in-frame deletion of an amino acid residue (Arg) at position 1267. The effect of this deletion on protein folding a nd function is not known. Computational analyses are limited or unavailable for this variant. Additional information is needed to fully assess the clinical sign ificance of this variant.

NM_000256.3(MYBPC3):c.3797GCC[1] (p.Arg1267del)

Gene: MYBPC3 (myosin binding protein C3; minus strand). Cytogenetic location: 11p11.2.
Variant type: Microsatellite.
Coding change: c.3797GCC[1] on transcript NM_000256.3 (MANE Select); one copy of the 3-base unit GCC starting at c.3797; the reference has two copies in a row; one copy, 3 bases deleted.
Protein change: p.Arg1267del; deletes arginine 1267.
Molecular consequence: inframe deletion.
Genome position (GRCh38, 1-based): chr11:47,332,084-47,332,086, GGC deleted on the plus strand (GCC on the coding strand, the reverse complement: MYBPC3 is on the minus strand); deleting any 3 consecutive bases within chr11:47,332,084-47,332,089 gives the same sequence; the position shown is the placement nearest the transcript's 3' end. VCF-style (leftmost placement, unchanged base first): chr11-47332083-AGGC-A. GRCh37 (hg19) VCF-style: chr11-47353634-AGGC-A.
Other names: c.3800_3802delGCC (NM_000256.3); short protein forms R1267del.
Identifiers: ClinVar variation 179534 (VCV000179534.4), dbSNP rs727504933, ClinGen allele CA014933.